The following is an entry in ClinVar:

ClinVar aggregate classification (germline): Likely pathogenic (1 of 4 stars; one submission).

Conditions:
Jeune thoracic dystrophy. Also called: Short-rib thoracic dysplasia; Thoracic pelvic phalangeal dystrophy; Jeune's syndrome; Chondroectodermal dysplasia-like syndrome; Jeune syndrome; Infantile thoracic dystrophy. Identifiers: Orphanet 474, MedGen C0265275, MONDO:0018770.

Submission:

Labcorp Genetics (formerly Invitae), Labcorp
Classification: Likely pathogenic for Jeune thoracic dystrophy. Last evaluated: 2023-11-14. Review status: criteria provided, single submitter. Criteria: Invitae Variant Classification Sherloc (09022015). Collection method: clinical testing. Allele origin: germline.
Comment: This sequence change affects a splice site in intron 89 of the DYNC2H1 gene. It is expected to disrupt RNA splicing. Variants that disrupt the donor or acceptor splice site typically lead to a loss of protein function (PMID: 16199547), and loss-of-function variants in DYNC2H1 are known to be pathogenic (PMID: 23339108, 32753734, 33755199). This variant is not present in population databases (gnomAD no frequency). This variant has not been reported in the literature in individuals affected with DYNC2H1-related conditions. Algorithms developed to predict the effect of sequence changes on RNA splicing suggest that this variant may disrupt the consensus splice site. In summary, the currently available evidence indicates that the variant is pathogenic, but additional data are needed to prove that conclusively. Therefore, this variant has been classified as Likely Pathogenic.

Literature cited by the submitters: PubMed 16199547; PubMed 23339108; PubMed 32753734; PubMed 33755199.

NM_001377.3(DYNC2H1):c.12765+1_12765+4del

Gene: DYNC2H1 (dynein cytoplasmic 2 heavy chain 1; plus strand). Cytogenetic location: 11q22.3.
Variant type: Deletion.
Coding change: c.12765+1_12765+4del on transcript NM_001377.3 (MANE Select); the canonical splice donor site of the intron after coding-DNA position 12765 through 4 bases into the intron after coding-DNA position 12765, 4 bases deleted (GTAA; older notation c.12765+1_12765+4delGTAA).
Molecular consequence: splice donor variant.
Genome position (GRCh38, 1-based): chr11:103,468,706-103,468,709, GTAA deleted. VCF-style (leftmost placement, unchanged base first): chr11-103468705-GGTAA-G. GRCh37 (hg19) VCF-style: chr11-103339433-GGTAA-G.
Other names: c.12786+1_12786+4del (NM_001080463.2).
Identifiers: ClinVar variation 2970900 (VCV002970900.3), dbSNP rs1945274080, ClinGen allele CA1996547640.